The following is an entry in ClinVar:

NM_080632.3(UPF3B):c.950A>G (p.Gln317Arg)

Gene: UPF3B (UPF3B regulator of nonsense mediated mRNA decay; minus strand). Cytogenetic location: Xq24.
Variant type: single nucleotide variant.
Coding change: c.950A>G on transcript NM_080632.3 (MANE Select); coding-DNA position 950, A replaced by G.
Protein change: p.Gln317Arg; replaces glutamine 317 with arginine.
Molecular consequence: missense variant.
Genome position (GRCh38, 1-based): chrX:119,838,424, T>C on the plus strand (A>G on the coding strand, the complement: UPF3B is on the minus strand). VCF-style: chrX-119838424-T-C. GRCh37 (hg19) VCF-style: chrX-118972387-T-C.
Other names: c.911A>G, p.Gln304Arg (NM_023010.4); short protein forms Q317R, Q304R.
Identifiers: ClinVar variation 2900967 (VCV002900967.3), dbSNP rs2521514851, ClinGen allele CA414183732.
Genomic context (GRCh38, chrX:119,838,424, plus strand): 5'-GACCTCTTTGGTTTTTCATCTTTAAGTTCGCTATCAGAACGCTTGGGCAATGTACAACTT[T>C]GCCCACTGGCTCTTTCATCACTGAGATTCTCTTTGTCCAATTTCTTGGCTTTTTCTCTTT-3'
Protein context (NP_542199.1, residues 307-327): ENLSDERASG[Gln317Arg]SCTLPKRSDS

ClinVar aggregate classification (germline): Uncertain significance (1 of 4 stars; one submission).

Conditions:
Intellectual developmental disorder, X-linked, syndromic 14. Also called: Syndromic X-linked intellectual disability 14. Identifiers: Orphanet 776, MedGen C1970822, MONDO:0010398, OMIM 300676.

Allele frequency attached by ClinVar (database versions not stated): gnomAD exomes 0.00001.
gnomAD v4.1: 6 of 1,212,262 alleles (0.00049%); highest among the groups gnomAD compares: Non-Finnish European, 0.00067%; no homozygotes.

Submission:

Labcorp Genetics (formerly Invitae), Labcorp
Classification: Uncertain significance for Intellectual developmental disorder, X-linked, syndromic 14. Last evaluated: 2023-04-01. Review status: criteria provided, single submitter. Criteria: Invitae Variant Classification Sherloc (09022015). Collection method: clinical testing. Allele origin: germline.
Comment: In summary, the available evidence is currently insufficient to determine the role of this variant in disease. Therefore, it has been classified as a Variant of Uncertain Significance. Advanced modeling of protein sequence and biophysical properties (such as structural, functional, and spatial information, amino acid conservation, physicochemical variation, residue mobility, and thermodynamic stability) performed at Invitae indicates that this missense variant is not expected to disrupt UPF3B protein function. This variant has not been reported in the literature in individuals affected with UPF3B-related conditions. This variant is not present in population databases (gnomAD no frequency). This sequence change replaces glutamine, which is neutral and polar, with arginine, which is basic and polar, at codon 317 of the UPF3B protein (p.Gln317Arg).